The following is an entry in ClinVar:

NM_004036.5(ADCY3):c.400G>T (p.Val134Phe)

Gene: ADCY3 (adenylate cyclase 3; minus strand). Cytogenetic location: 2p23.3.
Variant type: single nucleotide variant.
Coding change: c.400G>T on transcript NM_004036.5 (MANE Select); coding-DNA position 400, G replaced by T.
Protein change: p.Val134Phe; replaces valine 134 with phenylalanine.
Molecular consequence: missense variant.
Genome position (GRCh38, 1-based): chr2:24,918,588, C>A on the plus strand (G>T on the coding strand, the complement: ADCY3 is on the minus strand). VCF-style: chr2-24918588-C-A. GRCh37 (hg19) VCF-style: chr2-25141457-C-A.
Other names: c.400G>T (NM_001320613.1); c.400G>T, p.Val134Phe (NM_001320613.2, NM_001377128.1, NM_001377129.1 and 2 more transcripts); short protein forms V134F.
Identifiers: ClinVar variation 1939408 (VCV001939408.6), dbSNP rs143199260, ClinGen allele CA1554521.

ClinVar aggregate classification (germline): Uncertain significance. Review status: criteria provided, multiple submitters, no conflicts (2 of 4 stars). 2 submissions from 2 submitters: Uncertain significance (2). Last evaluated 2025-09-02.

Conditions:
ADCY3-related disorder. Also called: ADCY3-related condition.

Allele frequency attached by ClinVar (database versions not stated): ExAC 0.00002; TOPMed 0.00005; ESP Exome Variant Server 0.00008.
gnomAD v4.1: 9 of 1,614,022 alleles (0.00056%); highest among the groups gnomAD compares: African/African-American, 0.012%; no homozygotes.

Submissions (2):

PreventionGenetics, part of Exact Sciences
Classification: Uncertain significance for ADCY3-related condition. Last evaluated: 2025-09-02. Review status: criteria provided, single submitter. Criteria: ACMG Guidelines, 2015. Collection method: clinical testing. Allele origin: germline.
Comment: The ADCY3 c.400G>T variant is predicted to result in the amino acid substitution p.Val134Phe. To our knowledge, this variant has not been reported in the literature. This variant is reported in 0.018% of alleles in individuals of African descent in gnomAD. At this time, the clinical significance of this variant is uncertain due to the absence of conclusive functional and genetic evidence.

Labcorp Genetics (formerly Invitae), Labcorp
Classification: Uncertain significance. Last evaluated: 2022-02-22. Review status: criteria provided, single submitter. Criteria: Invitae Variant Classification Sherloc (09022015). Collection method: clinical testing. Allele origin: germline.
Comment: In summary, the available evidence is currently insufficient to determine the role of this variant in disease. Therefore, it has been classified as a Variant of Uncertain Significance. Algorithms developed to predict the effect of missense changes on protein structure and function are either unavailable or do not agree on the potential impact of this missense change (SIFT: "Not Available"; PolyPhen-2: "Benign"; Align-GVGD: "Not Available"). This variant has not been reported in the literature in individuals affected with ADCY3-related conditions. This variant is present in population databases (rs143199260, gnomAD 0.02%). This sequence change replaces valine, which is neutral and non-polar, with phenylalanine, which is neutral and non-polar, at codon 134 of the ADCY3 protein (p.Val134Phe).